The following is an entry in ClinVar:

ClinVar aggregate classification (germline): Uncertain significance. Review status: criteria provided, multiple submitters, no conflicts (2 of 4 stars). 2 submissions from 2 submitters: Uncertain significance (2). Last evaluated 2023-12-08.

Allele frequency attached by ClinVar (database versions not stated): gnomAD 0.00001; TOPMed 0.00002; ExAC 0.00005; ESP Exome Variant Server 0.00008.
gnomAD v4.1: 55 of 1,613,872 alleles (0.0034%); highest among the groups gnomAD compares: Non-Finnish European, 0.0045%; no homozygotes.

Submissions (2):

Ambry Genetics
Classification: Uncertain significance. Last evaluated: 2023-12-08. Review status: criteria provided, single submitter. Criteria: Ambry Variant Classification Scheme 2023. Collection method: clinical testing. Allele origin: germline.

Labcorp Genetics (formerly Invitae), Labcorp
Classification: Uncertain significance. Last evaluated: 2023-03-17. Review status: criteria provided, single submitter. Criteria: Invitae Variant Classification Sherloc (09022015). Collection method: clinical testing. Allele origin: germline.
Comment: In summary, the available evidence is currently insufficient to determine the role of this variant in disease. Therefore, it has been classified as a Variant of Uncertain Significance. Advanced modeling of protein sequence and biophysical properties (such as structural, functional, and spatial information, amino acid conservation, physicochemical variation, residue mobility, and thermodynamic stability) performed at Invitae indicates that this missense variant is not expected to disrupt MTMR14 protein function. This variant has not been reported in the literature in individuals affected with MTMR14-related conditions. This variant is present in population databases (rs373227805, gnomAD 0.007%). This sequence change replaces glycine, which is neutral and non-polar, with alanine, which is neutral and non-polar, at codon 166 of the MTMR14 protein (p.Gly166Ala).

NM_001077525.3(MTMR14):c.497G>C (p.Gly166Ala)

Gene: MTMR14 (myotubularin related protein 14; plus strand). Cytogenetic location: 3p25.3.
Variant type: single nucleotide variant.
Coding change: c.497G>C on transcript NM_001077525.3 (MANE Select); coding-DNA position 497, G replaced by C.
Protein change: p.Gly166Ala; replaces glycine 166 with alanine.
Molecular consequence: missense variant. On other transcripts: 5 prime UTR variant (10), non-coding transcript variant (6), intron variant (11).
Genome position (GRCh38, 1-based): chr3:9,669,435, G>C. VCF-style: chr3-9669435-G-C. GRCh37 (hg19) VCF-style: chr3-9711119-G-C.
Other names: c.215G>C, p.Gly72Ala (NM_001400529.1, NM_001400532.1, NM_001400537.1 and 1 more transcripts); c.-146G>C (NM_001400534.1, NM_001400538.1, NM_001400540.1 and 5 more transcripts); c.-219G>C (NM_001400547.1, NM_001400548.1); c.497G>C, p.Gly166Ala (NM_022485.5, NM_001077526.3, NM_001400519.1 and 4 more transcripts); c.-88-1613G>C (NM_001400533.1, NM_001400539.1, NM_001400545.1 and 1 more transcripts); c.-161-1613G>C (NM_001400544.1, NM_001400550.1); c.309-1613G>C (NM_001400524.1, NM_001400527.1, NM_001400530.1 and 1 more transcripts); c.309-1616G>C (NM_001400531.1); and 2 more; short protein forms G166A, G72A, G189A.
Identifiers: ClinVar variation 2695935 (VCV002695935.4), dbSNP rs373227805, ClinGen allele CA2240328.